The following is an entry in ClinVar:

ClinVar aggregate classification (germline): Uncertain significance (1 of 4 stars; one submission).

Conditions:
Nephronophthisis. Also called: Juvenile Nephronophthisis. Identifiers: Orphanet 655, MedGen C0687120, MONDO:0019005, HP:0000090.

Allele frequency attached by ClinVar (database versions not stated): gnomAD exomes below 0.00001 and 0.00001; TOPMed below 0.00001.
gnomAD v4.1: 5 of 1,609,020 alleles (0.00031%); highest among the groups gnomAD compares: South Asian, 0.0044%; no homozygotes.

Submission:

Labcorp Genetics (formerly Invitae), Labcorp
Classification: Uncertain significance for Nephronophthisis. Last evaluated: 2023-07-10. Review status: criteria provided, single submitter. Criteria: Invitae Variant Classification Sherloc (09022015). Collection method: clinical testing. Allele origin: germline.
Comment: In summary, the available evidence is currently insufficient to determine the role of this variant in disease. Therefore, it has been classified as a Variant of Uncertain Significance. Advanced modeling of protein sequence and biophysical properties (such as structural, functional, and spatial information, amino acid conservation, physicochemical variation, residue mobility, and thermodynamic stability) performed at Invitae indicates that this missense variant is not expected to disrupt NPHP3 protein function. ClinVar contains an entry for this variant (Variation ID: 1001009). This variant has not been reported in the literature in individuals affected with NPHP3-related conditions. This variant is present in population databases (no rsID available, gnomAD 0.007%). This sequence change replaces proline, which is neutral and non-polar, with serine, which is neutral and polar, at codon 659 of the NPHP3 protein (p.Pro659Ser).

NM_153240.5(NPHP3):c.1975C>T (p.Pro659Ser)

Genes: NPHP3-ACAD11 (NPHP3-ACAD11 readthrough (NMD candidate); minus strand), NPHP3 (nephrocystin 3; minus strand). Cytogenetic location: 3q22.1.
Variant type: single nucleotide variant.
Coding change: c.1975C>T on transcript NM_153240.5 (MANE Select); coding-DNA position 1975, C replaced by T.
Protein change: p.Pro659Ser; replaces proline 659 with serine.
Molecular consequence: missense variant.
Genome position (GRCh38, 1-based): chr3:132,699,363, G>A on the plus strand (C>T on the coding strand, the complement: NPHP3 is on the minus strand). VCF-style: chr3-132699363-G-A. GRCh37 (hg19) VCF-style: chr3-132418207-G-A.
Other names: short protein forms P659S.
Identifiers: ClinVar variation 1001009 (VCV001001009.8), dbSNP rs1007912862, ClinGen allele CA83592211.